The following is an entry in ClinVar:

ClinVar aggregate classification (germline): Benign/Likely benign. Review status: criteria provided, multiple submitters, no conflicts (2 of 4 stars). 4 submissions from 4 submitters: Benign (2); Likely benign (2). Last evaluated 2026-02-02.

Conditions:
Fatal mitochondrial disease due to combined oxidative phosphorylation defect type 3. Also called: Combined oxidative phosphorylation deficiency 3; ENCEPHALOMYOPATHY, RESPIRATORY FAILURE, AND LACTIC ACIDOSIS. Identifiers: Orphanet 168566, MedGen C1864840, MONDO:0012512, OMIM 610505.

Allele frequency attached by ClinVar (database versions not stated): 1000 Genomes Project 30x 0.00078; 1000 Genomes Project 0.00080; TOPMed 0.00267; gnomAD exomes 0.00275 and 0.00474; gnomAD 0.00285 and 0.00291; ESP Exome Variant Server 0.00338; ExAC 0.00421.

Submissions (8):

Labcorp Genetics (formerly Invitae), Labcorp
Classification: Benign. Last evaluated: 2026-02-02. Review status: criteria provided, single submitter. Criteria: Invitae Variant Classification Sherloc (09022015). Collection method: clinical testing. Allele origin: germline.

Blueprint Genetics
Classification: Likely benign. Last evaluated: 2024-11-22. Review status: criteria provided, single submitter. Criteria: ACMG Guidelines, 2015. Collection method: clinical testing. Allele origin: germline.

Fulgent Genetics
Classification: Likely benign for Fatal mitochondrial disease due to combined oxidative phosphorylation defect type 3. Last evaluated: 2022-02-03. Review status: criteria provided, single submitter. Criteria: ACMG Guidelines, 2015. Collection method: clinical testing. Allele origin: unknown.

GeneDx
Classification: Benign. Last evaluated: 2014-03-14. Review status: criteria provided, single submitter. Criteria: GeneDx Variant Classification (06012015). Collection method: clinical testing. Allele origin: germline. Affected: yes.
Comment: This variant is considered likely benign or benign based on one or more of the following criteria: it is a conservative change, it occurs at a poorly conserved position in the protein, it is predicted to be benign by multiple in silico algorithms, and/or has population frequency not consistent with disease.

Dr. Peter K. Rogan Lab, Western University
No classification provided (evidence only). Condition: Uterine corpus endometrial carcinoma. Review status: no classification provided. Collection method: in vitro. Allele origin: not applicable. Functional consequence: retained intron. Not counted in ClinVar's aggregate classification.

Dr. Peter K. Rogan Lab, Western University
No classification provided (evidence only). Condition: Cervical cancer. Review status: no classification provided. Collection method: in vitro. Allele origin: not applicable. Functional consequence: retained intron. Not counted in ClinVar's aggregate classification.

Dr. Peter K. Rogan Lab, Western University
No classification provided (evidence only). Condition: Cervical cancer. Review status: no classification provided. Collection method: in vitro. Allele origin: not applicable. Functional consequence: retained intron. Not counted in ClinVar's aggregate classification.

Dr. Peter K. Rogan Lab, Western University
No classification provided (evidence only). Condition: Thymoma. Review status: no classification provided. Collection method: in vitro. Allele origin: not applicable. Functional consequence: retained intron. Not counted in ClinVar's aggregate classification.

NM_005726.6(TSFM):c.232-19T>G

Gene: TSFM (Ts translation elongation factor, mitochondrial; plus strand). Cytogenetic location: 12q14.1.
Variant type: single nucleotide variant.
Coding change: c.232-19T>G on transcript NM_005726.6 (MANE Select); 19 bases into the intron before coding-DNA position 232, T replaced by G.
Molecular consequence: intron variant.
Genome position (GRCh38, 1-based): chr12:57,786,144, T>G. VCF-style: chr12-57786144-T-G. GRCh37 (hg19) VCF-style: chr12-58179927-T-G.
Other names: c.232-19T>G (NM_001172697.2, NM_001172696.2, NM_001172695.2).
Identifiers: ClinVar variation 137762 (VCV000137762.12), dbSNP rs112348190, ClinGen allele CA291419.